The following is an entry in ClinVar:

NC_000017.10:g.(?_16852032)_(16852317_?)del

Gene: TNFRSF13B (TNF receptor superfamily member 13B; minus strand). Cytogenetic location: 17p11.2.
Variant type: Deletion.
Identifiers: ClinVar variation 3243072 (VCV003243072.1).

ClinVar aggregate classification (germline): Pathogenic (1 of 4 stars; one submission).

Conditions:
Immunodeficiency, common variable, 2 (CVID2). Also called: HYPOGAMMAGLOBULINEMIA DUE TO TACI DEFICIENCY; ANTIBODY DEFICIENCY DUE TO TACI DEFECT. Identifiers: Orphanet 1572, MedGen C3150354, MONDO:0009413, OMIM 240500.

Submission:

Labcorp Genetics (formerly Invitae), Labcorp
Classification: Pathogenic for Immunodeficiency, common variable, 2. Last evaluated: 2023-09-17. Review status: criteria provided, single submitter. Criteria: Invitae Variant Classification Sherloc (09022015). Collection method: clinical testing. Allele origin: unknown.
Comment: For these reasons, this variant has been classified as Pathogenic. This variant is a gross deletion of the genomic region encompassing exon(s) 3 of the TNFRSF13B gene. This variant would be expected to be in-frame, preserving the integrity of the reading frame. This variant has not been reported in the literature in individuals affected with TNFRSF13B-related conditions. This variant disrupts a region of the TNFRSF13B protein in which other variant(s) (p.Ile87Asn) have been determined to be pathogenic (PMID: 21419480, 21458042, 22627058, 22697072, 22884984, 27123465, 30290665, 31681265). This suggests that this is a clinically significant region of the protein, and that variants that disrupt it are likely to be disease-causing.

Literature cited by the submitters: PubMed 21419480; PubMed 21458042; PubMed 22627058; PubMed 22697072; PubMed 22884984; PubMed 27123465; PubMed 30290665; PubMed 31681265.